The following is an entry in ClinVar:

ClinVar aggregate classification (germline): Benign/Likely benign. Review status: criteria provided, multiple submitters, no conflicts (2 of 4 stars). 16 submissions from 16 submitters: Benign (11); Likely benign (2). 3 of the submissions do not count toward it. Last evaluated 2026-02-04.

Conditions:
Isolated focal cortical dysplasia type II (FCORD2). Also called: Focal cortical dysplasia type II; CORTICAL DYSPLASIA OF TAYLOR. Identifiers: Orphanet 268994, MedGen C1846385, MONDO:0011818, OMIM 607341, HP:0032051.
Tuberous sclerosis 1 (TSC1). Identifiers: Orphanet 805, MedGen C1854465, MONDO:0008612, OMIM 191100.
Lymphangiomyomatosis (LAM). Also called: Lymphangioleiomyomatosis; Lymphangioleiomyomatosis, somatic. Identifiers: Orphanet 538, MedGen C0751674, MONDO:0011705, OMIM 606690.
Hereditary cancer-predisposing syndrome. Also called: Tumor predisposition; Neoplastic Syndromes, Hereditary; Hereditary Cancer Syndrome; Hereditary neoplastic syndrome. Identifiers: Orphanet 140162, MedGen C0027672, MeSH D009386, MONDO:0015356.
Tuberous sclerosis syndrome (TSC). Also called: Tuberous sclerosis; Tuberous Sclerosis Complex. Identifiers: Orphanet 805, MedGen C0041341, MONDO:0001734.

Submissions (16):

Labcorp Genetics (formerly Invitae), Labcorp
Classification: Benign for Tuberous sclerosis 1. Last evaluated: 2026-02-04. Review status: criteria provided, single submitter. Criteria: Invitae Variant Classification Sherloc (09022015). Collection method: clinical testing. Allele origin: germline.

Myriad Genetics, Inc.
Classification: Benign for Tuberous sclerosis 1. Last evaluated: 2025-04-28. Review status: criteria provided, single submitter. Criteria: Myriad Autosomal Dominant, Autosomal Recessive and X-Linked Classification Criteria (2023). Collection method: clinical testing. Allele origin: unknown.
Comment: This variant is considered benign. This variant is intronic and is not expected to impact mRNA splicing.

Blueprint Genetics
Classification: Likely benign. Last evaluated: 2024-11-27. Review status: criteria provided, single submitter. Criteria: ACMG Guidelines, 2015. Collection method: clinical testing. Allele origin: germline.

Mayo Clinic Laboratories, Mayo Clinic
Classification: Benign. Last evaluated: 2023-05-03. Review status: criteria provided, single submitter. Criteria: ACMG Guidelines, 2015. Collection method: clinical testing. Allele origin: germline. Observed: 254 variant alleles.
Comment: BA1, BP4

Fulgent Genetics
Classification: Likely benign for Tuberous sclerosis 1; Lymphangiomyomatosis; Isolated focal cortical dysplasia type II. Last evaluated: 2022-05-23. Review status: criteria provided, single submitter. Criteria: ACMG Guidelines, 2015. Collection method: clinical testing. Allele origin: unknown.

Genome-Nilou Lab
Classification: Benign for Tuberous sclerosis 1. Last evaluated: 2021-11-07. Review status: criteria provided, single submitter. Criteria: ACMG Guidelines, 2015. Collection method: clinical testing. Allele origin: germline. Affected: no.

Ambry Genetics
Classification: Benign for Hereditary cancer-predisposing syndrome. Last evaluated: 2020-07-06. Review status: criteria provided, single submitter. Criteria: Ambry Variant Classification Scheme 2023. Collection method: clinical testing. Allele origin: germline.

Sema4
Classification: Benign for Hereditary cancer-predisposing syndrome. Last evaluated: 2020-02-24. Review status: criteria provided, single submitter. Criteria: Sema4 Curation Guidelines. Collection method: curation. Allele origin: germline.

GeneDx
Classification: Benign. Last evaluated: 2019-08-18. Review status: criteria provided, single submitter. Criteria: GeneDx Variant Classification Process June 2021. Collection method: clinical testing. Allele origin: germline. Affected: yes.
Comment: This variant is associated with the following publications: (PMID: 29849115)

Color Diagnostics, LLC DBA Color Health
Classification: Benign for Tuberous sclerosis syndrome. Last evaluated: 2018-03-05. Review status: criteria provided, single submitter. Criteria: ACMG Guidelines, 2015. Collection method: clinical testing. Allele origin: germline.

Women's Health and Genetics/Laboratory Corporation of America, LabCorp
Classification: Benign. Last evaluated: 2016-05-26. Review status: criteria provided, single submitter. Criteria: LabCorp Variant Classification Summary - May 2015. Collection method: clinical testing. Allele origin: germline.
Comment: Variant summary: The TSC1 c.2626-4dupT variant involves the alteration of a poly-T intronic track. One in silico tool predicts a benign outcome for this variant. 5/5 Alamut algorithms predict no significant change to normal splicing. This variant was found in 13516/80186 control chromosomes (300 homozygotes) at a frequency of 0.1685581, which is approximately 6742 times the estimated maximal expected allele frequency of a pathogenic TSC1 variant (0.000025), highly suggesting this variant is a benign polymorphism. In addition, multiple clinical diagnostic laboratories classified this variant as benign. Taken together and based on the high allele frequency in the general population, this variant is classified as Benign.

Genomic Diagnostic Laboratory, Division of Genomic Diagnostics, Children's Hospital of Philadelphia
Classification: Benign for Tuberous sclerosis 1. Last evaluated: 2015-07-10. Review status: criteria provided, single submitter. Criteria: DGD Variant Analysis Guidelines. Collection method: clinical testing. Allele origin: unknown.

Eurofins Ntd Llc (ga)
Classification: Benign. Last evaluated: 2014-11-25. Review status: criteria provided, single submitter. Criteria: EGL Classification Definitions. Collection method: clinical testing. Allele origin: germline. Observed: 5 variant alleles, 5 heterozygotes.

Genome Diagnostics Laboratory, Amsterdam University Medical Center
Classification: Benign. Review status: no assertion criteria provided. Collection method: clinical testing. Allele origin: germline. Affected: yes. Study: VKGL Data-share Consensus. Not counted in ClinVar's aggregate classification.

Genome Diagnostics Laboratory, University Medical Center Utrecht
Classification: Benign. Review status: no assertion criteria provided. Collection method: clinical testing. Allele origin: germline. Affected: yes. Study: VKGL Data-share Consensus. Not counted in ClinVar's aggregate classification.

Laboratory of Diagnostic Genome Analysis, Leiden University Medical Center (LUMC)
Classification: Benign. Review status: no assertion criteria provided. Collection method: clinical testing. Allele origin: germline. Affected: yes. Study: VKGL Data-share Consensus. Not counted in ClinVar's aggregate classification.

NM_000368.5(TSC1):c.2626-4dup

Gene: TSC1 (TSC complex subunit 1; minus strand). Cytogenetic location: 9q34.13.
Variant type: Duplication.
Coding change: c.2626-4dup on transcript NM_000368.5 (MANE Select); 4 bases into the intron before coding-DNA position 2626, one base duplicated (T; older notation c.2626-4dupT).
Molecular consequence: intron variant.
Genome position (GRCh38, 1-based): chr9:132,897,614, A duplicated on the plus strand (T on the coding strand, the reverse complement: TSC1 is on the minus strand); the first of 18 consecutive A bases (chr9:132,897,614-132,897,631); duplicating any one gives the same sequence. VCF-style (leftmost placement, unchanged base first): chr9-132897613-G-GA. GRCh37 (hg19) VCF-style: chr9-135773000-G-GA.
Other names: p.?; c.2626-4_2626-3insT (NM_000368.4); c.2626-4dupT (NM_000368.4); c.2263-4dup (NM_001362177.2); c.2473-4dup (NM_001162427.2); c.2623-4dup (NM_001162426.2).
Identifiers: ClinVar variation 195562 (VCV000195562.27), dbSNP rs5901000, ClinGen allele CA213380.